The following is an entry in ClinVar:

NM_024529.5(CDC73):c.809C>G (p.Ala270Gly)

Gene: CDC73 (cell division cycle 73; plus strand). Cytogenetic location: 1q31.2.
Variant type: single nucleotide variant.
Coding change: c.809C>G on transcript NM_024529.5 (MANE Select); coding-DNA position 809, C replaced by G.
Protein change: p.Ala270Gly; replaces alanine 270 with glycine.
Molecular consequence: missense variant.
Genome position (GRCh38, 1-based): chr1:193,147,946, C>G. VCF-style: chr1-193147946-C-G. GRCh37 (hg19) VCF-style: chr1-193117076-C-G.
Other names: short protein forms A270G.
Identifiers: ClinVar variation 4631656 (VCV004631656.1).

ClinVar aggregate classification (germline): Uncertain significance (1 of 4 stars; one submission).

Conditions:
Hereditary cancer-predisposing syndrome. Also called: Neoplastic Syndromes, Hereditary; Tumor predisposition; Hereditary Cancer Syndrome; Hereditary neoplastic syndrome. Identifiers: Orphanet 140162, MedGen C0027672, MeSH D009386, MONDO:0015356.

Submission:

Ambry Genetics
Classification: Uncertain significance for Hereditary cancer-predisposing syndrome. Last evaluated: 2025-11-11. Review status: criteria provided, single submitter. Criteria: Ambry Variant Classification Scheme 2023. Collection method: clinical testing. Allele origin: germline.
Comment: The p.A270G variant (also known as c.809C>G), located in coding exon 8 of the CDC73 gene, results from a C to G substitution at nucleotide position 809. The alanine at codon 270 is replaced by glycine, an amino acid with similar properties. This amino acid position is conserved. In addition, this alteration is predicted to be tolerated by in silico analysis. Based on the available evidence, the clinical significance of this variant remains unclear.